The following is an entry in ClinVar:

NM_000535.7(PMS2):c.854C>T (p.Thr285Ile)

Gene: PMS2 (PMS1 homolog 2, mismatch repair system component; minus strand). Cytogenetic location: 7p22.1.
Variant type: single nucleotide variant.
Coding change: c.854C>T on transcript NM_000535.7 (MANE Select); coding-DNA position 854, C replaced by T.
Protein change: p.Thr285Ile; replaces threonine 285 with isoleucine.
Molecular consequence: missense variant. On other transcripts: 5 prime UTR variant (2), non-coding transcript variant (1).
Genome position (GRCh38, 1-based): chr7:5,995,583, G>A on the plus strand (C>T on the coding strand, the complement: PMS2 is on the minus strand). VCF-style: chr7-5995583-G-A. GRCh37 (hg19) VCF-style: chr7-6035214-G-A.
Other names: c.449C>T, p.Thr150Ile (NM_001322003.2, NM_001322004.2, NM_001322005.2 and 2 more transcripts); c.854C>T, p.Thr285Ile (NM_001322006.2, NM_001322014.2); c.536C>T, p.Thr179Ile (NM_001322007.2, NM_001322008.2); c.-80C>T (NM_001322011.2, NM_001322012.2); c.281C>T, p.Thr94Ile (NM_001322013.2); c.545C>T, p.Thr182Ile (NM_001322015.2); short protein forms T179I, T150I, T182I, T285I, T94I.
Identifiers: ClinVar variation 822545 (VCV000822545.8), dbSNP rs1583364029, ClinGen allele CA366743488.

ClinVar aggregate classification (germline): Uncertain significance. Review status: criteria provided, multiple submitters, no conflicts (2 of 4 stars). 2 submissions from 2 submitters: Uncertain significance (2). Last evaluated 2025-07-23.

Conditions:
Hereditary nonpolyposis colorectal neoplasms. Identifiers: MedGen C0009405, MeSH D003123.
Hereditary cancer-predisposing syndrome. Also called: Tumor predisposition; Hereditary Cancer Syndrome; Neoplastic Syndromes, Hereditary; Hereditary neoplastic syndrome. Identifiers: Orphanet 140162, MedGen C0027672, MeSH D009386, MONDO:0015356.

Submissions (2):

Ambry Genetics
Classification: Uncertain significance for Hereditary cancer-predisposing syndrome. Last evaluated: 2025-07-23. Review status: criteria provided, single submitter. Criteria: Ambry Variant Classification Scheme 2023. Collection method: clinical testing. Allele origin: germline.
Comment: The p.T285I variant (also known as c.854C>T), located in coding exon 8 of the PMS2 gene, results from a C to T substitution at nucleotide position 854. The threonine at codon 285 is replaced by isoleucine, an amino acid with similar properties. This amino acid position is highly conserved in available vertebrate species. In addition, the in silico prediction for this alteration is inconclusive. Based on the available evidence, the clinical significance of this variant remains unclear.

Labcorp Genetics (formerly Invitae), Labcorp
Classification: Uncertain significance for Hereditary nonpolyposis colorectal neoplasms. Last evaluated: 2024-04-16. Review status: criteria provided, single submitter. Criteria: Invitae Variant Classification Sherloc (09022015). Collection method: clinical testing. Allele origin: germline.
Comment: This sequence change replaces threonine, which is neutral and polar, with isoleucine, which is neutral and non-polar, at codon 285 of the PMS2 protein (p.Thr285Ile). This variant is not present in population databases (gnomAD no frequency). This variant has not been reported in the literature in individuals affected with PMS2-related conditions. ClinVar contains an entry for this variant (Variation ID: 822545). Advanced modeling of protein sequence and biophysical properties (such as structural, functional, and spatial information, amino acid conservation, physicochemical variation, residue mobility, and thermodynamic stability) performed at Invitae indicates that this missense variant is expected to disrupt PMS2 protein function with a positive predictive value of 80%. RNA analysis performed to evaluate the impact of this missense change on mRNA splicing indicates it does not significantly alter splicing (Invitae). In summary, the available evidence is currently insufficient to determine the role of this variant in disease. Therefore, it has been classified as a Variant of Uncertain Significance.